The following is an entry in ClinVar:

NM_000089.4(COL1A2):c.3797A>C (p.Gln1266Pro)

Gene: COL1A2 (collagen type I alpha 2 chain; plus strand). Cytogenetic location: 7q21.3.
Variant type: single nucleotide variant.
Coding change: c.3797A>C on transcript NM_000089.4 (MANE Select); coding-DNA position 3797, A replaced by C.
Protein change: p.Gln1266Pro; replaces glutamine 1266 with proline.
Molecular consequence: missense variant.
Genome position (GRCh38, 1-based): chr7:94,429,273, A>C. VCF-style: chr7-94429273-A-C. GRCh37 (hg19) VCF-style: chr7-94058585-A-C.
Other names: short protein forms Q1266P.
Identifiers: ClinVar variation 2941497 (VCV002941497.3), dbSNP rs2484741706, ClinGen allele CA368226762.
Genomic context (GRCh38, chr7:94,429,273, plus strand): 5'-CTTCCAAGGAAATGGCTACCCAACTTGCCTTCATGCGCCTGCTGGCCAACTATGCCTCTC[A>C]GAACATCACCTACCACTGCAAGAACAGCATTGCATACATGGATGAGGAGACTGGCAACCT-3'
Protein context (NP_000080.2, residues 1256-1276): FMRLLANYAS[Gln1266Pro]NITYHCKNSI

ClinVar aggregate classification (germline): Uncertain significance (1 of 4 stars; one submission).

Conditions:
Osteogenesis imperfecta type I (OI1). Also called: Lobstein disease; OI, TYPE I; OSTEOGENESIS IMPERFECTA TARDA; OSTEOGENESIS IMPERFECTA WITH BLUE SCLERAE; Osteogenesis imperfecta type 1; Lobstein's Disease. Identifiers: Orphanet 216796, Orphanet 666, MedGen C0023931, MONDO:0008146, OMIM 166200. Disease mechanism: loss of function.
Ehlers-Danlos syndrome, classic type, 1 (EDSCL1). Also called: EDS I; EHLERS-DANLOS SYNDROME, GRAVIS TYPE; EHLERS-DANLOS SYNDROME, SEVERE CLASSIC TYPE; Ehlers-Danlos syndrome, type 1; Ehlers-Danlos Syndrome, Classic Type, COL5A1-Related. Identifiers: MedGen C0268335, MONDO:0019567, OMIM 130000.

Submission:

Labcorp Genetics (formerly Invitae), Labcorp
Classification: Uncertain significance for Osteogenesis imperfecta type I; Ehlers-Danlos syndrome, classic type, 1. Last evaluated: 2022-11-11. Review status: criteria provided, single submitter. Criteria: Invitae Variant Classification Sherloc (09022015). Collection method: clinical testing. Allele origin: germline.
Comment: Advanced modeling of protein sequence and biophysical properties (such as structural, functional, and spatial information, amino acid conservation, physicochemical variation, residue mobility, and thermodynamic stability) performed at Invitae indicates that this missense variant is expected to disrupt COL1A2 protein function. In summary, the available evidence is currently insufficient to determine the role of this variant in disease. Therefore, it has been classified as a Variant of Uncertain Significance. This missense change has been observed in individual(s) with clinical features of osteogenesis imperfecta (Invitae). This variant is not present in population databases (gnomAD no frequency). This sequence change replaces glutamine, which is neutral and polar, with proline, which is neutral and non-polar, at codon 1266 of the COL1A2 protein (p.Gln1266Pro).